The following is an entry in ClinVar:

ClinVar aggregate classification (germline): Uncertain significance (1 of 4 stars; one submission).

Conditions:
UBR4-related disorder. Also called: UBR4-related condition.

gnomAD v4.1: 39 of 1,613,818 alleles (0.0024%); highest among the groups gnomAD compares: South Asian, 0.012%; no homozygotes.

Submission:

PreventionGenetics, part of Exact Sciences
Classification: Uncertain significance for UBR4-related condition. Last evaluated: 2025-09-09. Review status: criteria provided, single submitter. Criteria: ACMG Guidelines, 2015. Collection method: clinical testing. Allele origin: germline.
Comment: The UBR4 c.6838C>T variant is predicted to result in the amino acid substitution p.Arg2280Cys. To our knowledge, this variant has not been reported in the literature. This variant is reported in 0.0065% of alleles in individuals of South Asian descent in gnomAD. At this time, the clinical significance of this variant is uncertain due to the absence of conclusive functional and genetic evidence.

NM_020765.3(UBR4):c.6838C>T (p.Arg2280Cys)

Gene: UBR4 (ubiquitin protein ligase E3 component n-recognin 4; minus strand). Cytogenetic location: 1p36.13.
Variant type: single nucleotide variant.
Coding change: c.6838C>T on transcript NM_020765.3 (MANE Select); coding-DNA position 6838, C replaced by T.
Protein change: p.Arg2280Cys; replaces arginine 2280 with cysteine.
Molecular consequence: missense variant.
Genome position (GRCh38, 1-based): chr1:19,152,471, G>A on the plus strand (C>T on the coding strand, the complement: UBR4 is on the minus strand). VCF-style: chr1-19152471-G-A. GRCh37 (hg19) VCF-style: chr1-19478965-G-A.
Other names: short protein forms R2280C.
Identifiers: ClinVar variation 4984918 (VCV004984918.1).
Genomic context (GRCh38, chr1:19,152,471, plus strand): 5'-CTGTCAGCTGCTGGTTGTGTTCAAAAAAGTCAATGGGGAAAGTCACCTGGCTAGACGTGC[G>A]GGTTGCTGCAGAGAACGGTACCAGATCGTCAAGAGTCTCTCCCACCTCTGCCCCAACACC-3'
Protein context (NP_065816.2, residues 2270-2290): RKRKTATITT[Arg2280Cys]TSSQVTFPID